The following is an entry in ClinVar:

NM_000535.7(PMS2):c.2448GAT[1] (p.Met817del)

Gene: PMS2 (PMS1 homolog 2, mismatch repair system component; minus strand). Cytogenetic location: 7p22.1.
Variant type: Microsatellite.
Coding change: c.2448GAT[1] on transcript NM_000535.7 (MANE Select); one copy of the 3-base unit GAT starting at c.2448; the reference has two copies in a row; one copy, 3 bases deleted.
Protein change: p.Met817del; deletes methionine 817.
Molecular consequence: inframe deletion. On other transcripts: non-coding transcript variant (1).
Genome position (GRCh38, 1-based): chr7:5,973,535-5,973,537, ATC deleted on the plus strand (GAT on the coding strand, the reverse complement: PMS2 is on the minus strand); deleting any 3 consecutive bases within chr7:5,973,535-5,973,541 gives the same sequence; the position shown is the placement nearest the transcript's 3' end. VCF-style (leftmost placement, unchanged base first): chr7-5973534-AATC-A. GRCh37 (hg19) VCF-style: chr7-6013165-AATC-A.
Other names: c.2043GAT[1], p.Met682del (NM_001322003.2, NM_001322004.2, NM_001322005.2); c.2292GAT[1], p.Met765del (NM_001322006.2); c.2130GAT[1], p.Met711del (NM_001322007.2, NM_001322008.2); c.2076GAT[1], p.Met693del (NM_001322009.2); c.1887GAT[1], p.Met630del (NM_001322010.2); c.1515GAT[1], p.Met506del (NM_001322011.2, NM_001322012.2); c.1875GAT[1], p.Met626del (NM_001322013.2); c.2481GAT[1], p.Met828del (NM_001322014.2); and 2 more; short protein forms M682del, M765del, M817del, M630del, M714del, M828del, M506del, M626del.
Identifiers: ClinVar variation 958599 (VCV000958599.10), dbSNP rs1781510137, ClinGen allele CA1139532325.
Genomic context (GRCh38, chr7:5,973,534, plus strand): 5'-GTCCATCTCCCCCATGTGGGTGATCAGTTTCTTCATCTCGCTTGTGTTAAGAGCAGTCCC[AATC>A]ATCACCTGAGTGTGAGACACAATGGTTCAACGTTTTAGTAGTTTTTTGACGTCAGAATGG-3'

ClinVar aggregate classification (germline): Uncertain significance. Review status: criteria provided, multiple submitters, no conflicts (2 of 4 stars). 2 submissions from 2 submitters: Uncertain significance (2). Last evaluated 2020-08-21.

Conditions:
Hereditary nonpolyposis colorectal neoplasms. Identifiers: MedGen C0009405, MeSH D003123.
Hereditary nonpolyposis colorectal carcinoma. Identifiers: MedGen C4024989, HP:0006716.

Submissions (2):

Genetics and Molecular Pathology, SA Pathology
Classification: Uncertain significance for Hereditary nonpolyposis colorectal carcinoma. Last evaluated: 2020-08-21. Review status: criteria provided, single submitter. Criteria: ACMG Guidelines, 2015. Collection method: clinical testing. Allele origin: germline. Affected: yes.
Comment: The PMS2 c.2451_2453del variant is classified as VUS (PM2, PM4, PP1)

Labcorp Genetics (formerly Invitae), Labcorp
Classification: Uncertain significance for Hereditary nonpolyposis colorectal neoplasms. Last evaluated: 2019-09-13. Review status: criteria provided, single submitter. Criteria: Invitae Variant Classification Sherloc (09022015). Collection method: clinical testing. Allele origin: germline.
Comment: In summary, the available evidence is currently insufficient to determine the role of this variant in disease. Therefore, it has been classified as a Variant of Uncertain Significance. Experimental studies and prediction algorithms are not available or were not evaluated for this variant, and the functional significance of this variant is currently unknown. This variant has not been reported in the literature in individuals with PMS2-related conditions. The frequency data for this variant in the population databases (ExAC) is considered unreliable due to the presence of homologous sequence, such as pseudogenes or paralogs, in the genome. This variant, c.2451_2453del, results in the deletion of 1 amino acid(s) of the PMS2 protein (p.Met817del), but otherwise preserves the integrity of the reading frame.